The following is an entry in ClinVar:

NM_000310.4(PPT1):c.512C>T (p.Ala171Val)

Gene: PPT1 (palmitoyl-protein thioesterase 1; minus strand). Cytogenetic location: 1p34.2.
Variant type: single nucleotide variant.
Coding change: c.512C>T on transcript NM_000310.4 (MANE Select); coding-DNA position 512, C replaced by T.
Protein change: p.Ala171Val; replaces alanine 171 with valine.
Molecular consequence: missense variant.
Genome position (GRCh38, 1-based): chr1:40,089,434, G>A on the plus strand (C>T on the coding strand, the complement: PPT1 is on the minus strand). VCF-style: chr1-40089434-G-A. GRCh37 (hg19) VCF-style: chr1-40555106-G-A.
Other names: c.512C>T (NM_000310.3); c.203C>T, p.Ala68Val (NM_001142604.2); c.512C>T, p.Ala171Val (NM_001363695.2); short protein forms A171V, A68V.
Identifiers: ClinVar variation 998623 (VCV000998623.6), dbSNP rs761687224, ClinGen allele CA789675.
Genomic context (GRCh38, chr1:40,089,434, plus strand): 5'-GACAGGTCTGTAATCTTTTCAGCTAACCATACATACCGTTCCTGAACAACTTTGGAGTAC[G>A]CCCCAGCATTCAGTGTTTTTCGGATGAAGTCACAGATGTGAGAGCTCTCTCCTGGGCATC-3'
Protein context (NP_000301.1, residues 161-181): DFIRKTLNAG[Ala171Val]YSKVVQERLV

ClinVar aggregate classification (germline): Uncertain significance. Review status: criteria provided, multiple submitters, no conflicts (2 of 4 stars). 3 submissions from 3 submitters: Uncertain significance (2). 1 of the submissions does not count toward it. Last evaluated 2024-09-03.

Conditions:
Inborn genetic diseases. Identifiers: MedGen C0950123, MeSH D030342.
Neuronal ceroid lipofuscinosis 1 (CLN1). Also called: PPT1-Related Neuronal Ceroid-Lipofuscinosis; CEROID LIPOFUSCINOSIS, NEURONAL, 1, VARIABLE AGE AT ONSET. Identifiers: Orphanet 228329, MedGen C1850451, MONDO:0009744, OMIM 256730.

Allele frequency attached by ClinVar (database versions not stated): gnomAD 0.00001 and 0.00002; gnomAD exomes 0.00002; ExAC 0.00003; TOPMed 0.00003.
gnomAD v4.1: 29 of 1,613,884 alleles (0.0018%); highest among the groups gnomAD compares: South Asian, 0.0033%; no homozygotes.

Submissions (3):

Ambry Genetics
Classification: Uncertain significance for Inborn genetic diseases. Last evaluated: 2024-09-03. Review status: criteria provided, single submitter. Criteria: Ambry Variant Classification Scheme 2023. Collection method: clinical testing. Allele origin: germline.

Labcorp Genetics (formerly Invitae), Labcorp
Classification: Uncertain significance for Neuronal ceroid lipofuscinosis 1. Last evaluated: 2022-10-25. Review status: criteria provided, single submitter. Criteria: Invitae Variant Classification Sherloc (09022015). Collection method: clinical testing. Allele origin: germline.
Comment: This sequence change replaces alanine, which is neutral and non-polar, with valine, which is neutral and non-polar, at codon 171 of the PPT1 protein (p.Ala171Val). This variant is present in population databases (rs761687224, gnomAD 0.006%). This variant has not been reported in the literature in individuals affected with PPT1-related conditions. ClinVar contains an entry for this variant (Variation ID: 998623). Advanced modeling of protein sequence and biophysical properties (such as structural, functional, and spatial information, amino acid conservation, physicochemical variation, residue mobility, and thermodynamic stability) has been performed at Invitae for this missense variant, however the output from this modeling did not meet the statistical confidence thresholds required to predict the impact of this variant on PPT1 protein function. In summary, the available evidence is currently insufficient to determine the role of this variant in disease. Therefore, it has been classified as a Variant of Uncertain Significance.

Natera, Inc.
Classification: Uncertain significance for Neuronal ceroid lipofuscinosis 1. Last evaluated: 2020-03-17. Review status: no assertion criteria provided. Collection method: clinical testing. Allele origin: germline. Not counted in ClinVar's aggregate classification.